The following is an entry in ClinVar:

ClinVar aggregate classification (germline): Pathogenic/Likely pathogenic. Review status: criteria provided, multiple submitters, no conflicts (2 of 4 stars). 3 submissions from 3 submitters: Pathogenic (1); Likely pathogenic (2). Last evaluated 2026-01-20.

Conditions:
Aicardi-Goutieres syndrome 5. Identifiers: Orphanet 51, MedGen C2749659, MONDO:0013059, OMIM 612952.
Chilblain lupus 2 (CHBL2). Identifiers: MedGen C3280721, MONDO:0013739, OMIM 614415.
Aicardi Goutieres syndrome (AGS). Also called: Encephalopathy, familial infantile, with calcification of basal ganglia and chronic cerebrospinal fluid lymphocytosis. Identifiers: Orphanet 51, MedGen C0393591, MONDO:0018866.

Allele frequency attached by ClinVar (database versions not stated): gnomAD exomes below 0.00001; gnomAD 0.00001.
gnomAD v4.1: 7 of 1,613,602 alleles (0.00043%); highest among the groups gnomAD compares: Non-Finnish European, 0.00059%; no homozygotes.

Submissions (3):

Natera, Inc.
Classification: Likely pathogenic for Aicardi-Goutieres syndrome. Last evaluated: 2026-01-20. Review status: criteria provided, single submitter. Criteria: Natera Variant Classification Schema (03/2026). Collection method: clinical testing. Allele origin: germline.
Comment: The c.580C>T variant in SAMHD1 is a nonsense variant predicted to introduce a stop codon at amino acid 194. This variant is expected to result in nonsense mediated decay, truncation, or a dysfunctional protein product. This variant is rare in the general population with a frequency below the threshold expected for the associated phenotype(s). Given the available evidence, this variant is classified as Likely Pathogenic.

Fulgent Genetics
Classification: Likely pathogenic for Aicardi-Goutieres syndrome 5; Chilblain lupus 2. Last evaluated: 2024-06-18. Review status: criteria provided, single submitter. Criteria: ACMG Guidelines, 2015. Collection method: clinical testing. Allele origin: germline.

Labcorp Genetics (formerly Invitae), Labcorp
Classification: Pathogenic for Aicardi-Goutieres syndrome 5. Last evaluated: 2023-07-07. Review status: criteria provided, single submitter. Criteria: Invitae Variant Classification Sherloc (09022015). Collection method: clinical testing. Allele origin: germline.
Comment: This sequence change creates a premature translational stop signal (p.Arg194*) in the SAMHD1 gene. It is expected to result in an absent or disrupted protein product. Loss-of-function variants in SAMHD1 are known to be pathogenic (PMID: 19525956, 22461318). For these reasons, this variant has been classified as Pathogenic. ClinVar contains an entry for this variant (Variation ID: 861422). This variant has not been reported in the literature in individuals affected with SAMHD1-related conditions. This variant is present in population databases (no rsID available, gnomAD 0.0009%).

Literature cited by the submitters: PubMed 19525956 (cited by Labcorp Genetics (formerly Invitae), Labcorp); PubMed 22461318 (cited by Labcorp Genetics (formerly Invitae), Labcorp).

NM_015474.4(SAMHD1):c.580C>T (p.Arg194Ter)

Gene: SAMHD1 (SAM and HD domain containing deoxynucleoside triphosphate triphosphohydrolase 1; minus strand). Cytogenetic location: 20q11.23.
Variant type: single nucleotide variant.
Coding change: c.580C>T on transcript NM_015474.4 (MANE Select); coding-DNA position 580, C replaced by T.
Protein change: p.Arg194Ter; replaces arginine 194 with a stop codon.
Molecular consequence: nonsense.
Genome position (GRCh38, 1-based): chr20:36,930,805, G>A on the plus strand (C>T on the coding strand, the complement: SAMHD1 is on the minus strand). VCF-style: chr20-36930805-G-A. GRCh37 (hg19) VCF-style: chr20-35559208-G-A.
Other names: c.580C>T, p.Arg194Ter (NM_001363729.2, NM_001363733.2); short protein forms R194*.
Identifiers: ClinVar variation 861422 (VCV000861422.9), dbSNP rs1300333132, ClinGen allele CA408822101.